The following is an entry in ClinVar:

NM_000321.3(RB1):c.700T>G (p.Leu234Val)

Gene: RB1 (RB transcriptional corepressor 1; plus strand). Cytogenetic location: 13q14.2.
Variant type: single nucleotide variant.
Coding change: c.700T>G on transcript NM_000321.3 (MANE Select); coding-DNA position 700, T replaced by G.
Protein change: p.Leu234Val; replaces leucine 234 with valine.
Molecular consequence: missense variant.
Genome position (GRCh38, 1-based): chr13:48,360,109, T>G. VCF-style: chr13-48360109-T-G. GRCh37 (hg19) VCF-style: chr13-48934245-T-G.
Other names: c.700T>G (NM_000321.2); short protein forms L234V.
Identifiers: ClinVar variation 1513701 (VCV001513701.9), dbSNP rs1362138725, ClinGen allele CA388158561.

ClinVar aggregate classification (germline): Uncertain significance. Review status: criteria provided, multiple submitters, no conflicts (2 of 4 stars). 2 submissions from 2 submitters: Uncertain significance (2). Last evaluated 2026-01-25.

Conditions:
Hereditary cancer-predisposing syndrome. Also called: Tumor predisposition; Neoplastic Syndromes, Hereditary; Hereditary neoplastic syndrome; Hereditary Cancer Syndrome. Identifiers: Orphanet 140162, MedGen C0027672, MeSH D009386, MONDO:0015356.
Retinoblastoma (RB1). Also called: RETINOBLASTOMA, SOMATIC. Identifiers: Orphanet 790, MedGen C0035335, MeSH D012175, MONDO:0008380, OMIM 180200, HP:0009919. Disease mechanism: loss of function. Inheritance: Both sporadic and heritable forms are tested..

Allele frequency attached by ClinVar (database versions not stated): gnomAD exomes below 0.00001.
gnomAD v4.1: 2 of 1,612,668 alleles (0.00012%); highest among the groups gnomAD compares: East Asian, 0.0045%; no homozygotes.

Submissions (2):

Labcorp Genetics (formerly Invitae), Labcorp
Classification: Uncertain significance for Retinoblastoma. Last evaluated: 2026-01-25. Review status: criteria provided, single submitter. Criteria: Invitae Variant Classification Sherloc (09022015). Collection method: clinical testing. Allele origin: germline.
Comment: This sequence change replaces leucine, which is neutral and non-polar, with valine, which is neutral and non-polar, at codon 234 of the RB1 protein (p.Leu234Val). This variant is present in population databases (no rsID available, gnomAD 0.006%). This variant has not been reported in the literature in individuals affected with RB1-related conditions. ClinVar contains an entry for this variant (Variation ID: 1513701). Invitae Evidence Modeling of protein sequence and biophysical properties (such as structural, functional, and spatial information, amino acid conservation, physicochemical variation, residue mobility, and thermodynamic stability) indicates that this missense variant is not expected to disrupt RB1 protein function with a negative predictive value of 80%. In summary, the available evidence is currently insufficient to determine the role of this variant in disease. Therefore, it has been classified as a Variant of Uncertain Significance.

Ambry Genetics
Classification: Uncertain significance for Hereditary cancer-predisposing syndrome. Last evaluated: 2022-11-01. Review status: criteria provided, single submitter. Criteria: Ambry Variant Classification Scheme 2023. Collection method: clinical testing. Allele origin: germline.
Comment: The p.L234V variant (also known as c.700T>G), located in coding exon 7 of the RB1 gene, results from a T to G substitution at nucleotide position 700. The leucine at codon 234 is replaced by valine, an amino acid with highly similar properties. This amino acid position is not well conserved in available vertebrate species. In addition, this alteration is predicted to be tolerated by in silico analysis. Since supporting evidence is limited at this time, the clinical significance of this alteration remains unclear.